The following is an entry in ClinVar:

ClinVar aggregate classification (germline): Uncertain significance (1 of 4 stars; one submission).

gnomAD v4.1: 1 of 1,614,028 alleles (0.000062%); highest among the groups gnomAD compares: Non-Finnish European, 0.000085%; no homozygotes.

Submission:

Labcorp Genetics (formerly Invitae), Labcorp
Classification: Uncertain significance. Last evaluated: 2024-11-15. Review status: criteria provided, single submitter. Criteria: Invitae Variant Classification Sherloc (09022015). Collection method: clinical testing. Allele origin: germline.
Comment: This sequence change replaces aspartic acid, which is acidic and polar, with asparagine, which is neutral and polar, at codon 370 of the LRP5 protein (p.Asp370Asn). This variant is present in population databases (rs775598320, gnomAD 0.0009%). This variant has not been reported in the literature in individuals affected with LRP5-related conditions. Invitae Evidence Modeling of protein sequence and biophysical properties (such as structural, functional, and spatial information, amino acid conservation, physicochemical variation, residue mobility, and thermodynamic stability) indicates that this missense variant is not expected to disrupt LRP5 protein function with a negative predictive value of 95%. In summary, the available evidence is currently insufficient to determine the role of this variant in disease. Therefore, it has been classified as a Variant of Uncertain Significance.

NM_002335.4(LRP5):c.1108G>A (p.Asp370Asn)

Gene: LRP5 (LDL receptor related protein 5; plus strand). Cytogenetic location: 11q13.2.
Variant type: single nucleotide variant.
Coding change: c.1108G>A on transcript NM_002335.4 (MANE Select); coding-DNA position 1108, G replaced by A.
Protein change: p.Asp370Asn; replaces aspartic acid 370 with asparagine.
Molecular consequence: missense variant. On other transcripts: 5 prime UTR variant (1).
Genome position (GRCh38, 1-based): chr11:68,386,408, G>A. VCF-style: chr11-68386408-G-A. GRCh37 (hg19) VCF-style: chr11-68153876-G-A.
Other names: c.-658G>A (NM_001291902.2); short protein forms D370N.
Identifiers: ClinVar variation 3634230 (VCV003634230.2).